The following is an entry in ClinVar:

ClinVar aggregate classification (germline): Likely benign (1 of 4 stars; one submission).

gnomAD v4.1: 295 of 1,602,588 alleles (0.018%); highest among the groups gnomAD compares: South Asian, 0.32%; 4 homozygotes.

Submission:

CeGaT Center for Human Genetics Tuebingen
Classification: Likely benign. Last evaluated: 2025-06-01. Review status: criteria provided, single submitter. Criteria: CeGaT Center For Human Genetics Tuebingen Variant Classification Criteria Version 2. Collection method: clinical testing. Allele origin: germline. Affected: yes. Observed: 1 variant allele.
Comment: CHD1: BP4, BP7, BS1

NM_001270.4(CHD1):c.1284C>G (p.Leu428=)

Gene: CHD1 (chromodomain helicase DNA binding protein 1; minus strand). Cytogenetic location: 5q15.
Variant type: single nucleotide variant.
Coding change: c.1284C>G on transcript NM_001270.4 (MANE Select); coding-DNA position 1284, C replaced by G.
Protein change: p.Leu428=; no amino-acid change (leucine 428 retained).
Molecular consequence: synonymous variant. On other transcripts: non-coding transcript variant (2).
Genome position (GRCh38, 1-based): chr5:98,898,337, G>C on the plus strand (C>G on the coding strand, the complement: CHD1 is on the minus strand). VCF-style: chr5-98898337-G-C. GRCh37 (hg19) VCF-style: chr5-98234041-G-C.
Other names: c.1284C>G, p.Leu428= (NM_001364113.3, NM_001376194.2).
Identifiers: ClinVar variation 3905178 (VCV003905178.10).